The following is an entry in ClinVar:

NM_001127511.3(APC):c.-146C>T

Gene: APC (APC regulator of Wnt signaling pathway; plus strand). Cytogenetic location: 5q22.2.
Variant type: single nucleotide variant.
Coding change: c.-146C>T on transcript NM_001127511.3; 146 bases upstream of the start codon, C replaced by T.
Molecular consequence: 5 prime UTR variant. On other transcripts: non-coding transcript variant (2).
Genome position (GRCh38, 1-based): chr5:112,707,572, C>T. VCF-style: chr5-112707572-C-T. GRCh37 (hg19) VCF-style: chr5-112043269-C-T.
Other names: c.-329C>T (NM_001354895.2, NM_001407447.1, NM_001407452.1 and 3 more transcripts); c.-146C>T (NM_001354897.2, NM_001354902.2, NM_001407446.1); c.-96C>T (NM_001407448.1, NM_001407450.1, NM_001407457.1 and 1 more transcripts); c.-120C>T (NM_001407453.1); c.-1364C>T (NM_001407470.1, NM_001407472.1).
Identifiers: ClinVar variation 469840 (VCV000469840.9), dbSNP rs1554060206, ClinGen allele CA658655891.

ClinVar aggregate classification (germline): Uncertain significance (1 of 4 stars; one submission).

Conditions:
Familial adenomatous polyposis 1 (FAP1). Also called: FAMILIAL ADENOMATOUS POLYPOSIS 1, ATTENUATED; POLYPOSIS, ADENOMATOUS INTESTINAL. Identifiers: MedGen C2713442, MONDO:0021056, OMIM 175100. Disease mechanism: loss of function.

Allele frequency attached by ClinVar (database versions not stated): TOPMed 0.00001; gnomAD exomes 0.00001; gnomAD 0.00001.
gnomAD v4.1: 7 of 833,014 alleles (0.00084%); highest among the groups gnomAD compares: Admixed American, 0.0028%; no homozygotes.

Submission:

Labcorp Genetics (formerly Invitae), Labcorp
Classification: Uncertain significance for Familial adenomatous polyposis 1. Last evaluated: 2025-12-31. Review status: criteria provided, single submitter. Criteria: Invitae Variant Classification Sherloc (09022015). Collection method: clinical testing. Allele origin: germline.
Comment: This variant occurs in a non-coding region of the APC gene. It does not change the encoded amino acid sequence of the APC protein. This variant is not present in population databases (gnomAD no frequency). This variant has not been reported in the literature in individuals affected with APC-related conditions. ClinVar contains an entry for this variant (Variation ID: 469840). Experimental studies and prediction algorithms are not available or were not evaluated, and the functional significance of this variant is currently unknown. In summary, the available evidence is currently insufficient to determine the role of this variant in disease. Therefore, it has been classified as a Variant of Uncertain Significance.